The following is an entry in ClinVar:

NM_003072.5(SMARCA4):c.4891A>G (p.Ser1631Gly)

Gene: SMARCA4 (SWI/SNF related BAF chromatin remodeling complex subunit ATPase 4; plus strand). Cytogenetic location: 19p13.2.
Variant type: single nucleotide variant.
Coding change: c.4891A>G on transcript NM_003072.5 (MANE Select); coding-DNA position 4891, A replaced by G.
Protein change: p.Ser1631Gly; replaces serine 1631 with glycine.
Molecular consequence: missense variant. On other transcripts: non-coding transcript variant (1).
Genome position (GRCh38, 1-based): chr19:11,060,167, A>G. VCF-style: chr19-11060167-A-G. GRCh37 (hg19) VCF-style: chr19-11170843-A-G.
Other names: c.4888A>G, p.Ser1630Gly (NM_001411150.1); c.4891A>G, p.Ser1631Gly (NM_001128844.3); c.4801A>G, p.Ser1601Gly (NM_001128845.2); c.4798A>G, p.Ser1600Gly (NM_001128846.2); c.4792A>G, p.Ser1598Gly (NM_001128847.4, NM_001374457.1); c.4789A>G, p.Ser1597Gly (NM_001128848.2); c.4987A>G, p.Ser1663Gly (NM_001128849.3, NM_001387283.1); short protein forms S1598G, S1663G, S1597G, S1601G, S1631G, S1600G, S1630G.
Identifiers: ClinVar variation 3706114 (VCV003706114.2).

ClinVar aggregate classification (germline): Uncertain significance (1 of 4 stars; one submission).

Conditions:
Rhabdoid tumor predisposition syndrome 2 (RTPS2). Identifiers: Orphanet 231108, Orphanet 69077, MedGen C2750074, MONDO:0013224, OMIM 613325.

Submission:

Labcorp Genetics (formerly Invitae), Labcorp
Classification: Uncertain significance for Rhabdoid tumor predisposition syndrome 2. Last evaluated: 2025-01-19. Review status: criteria provided, single submitter. Criteria: Invitae Variant Classification Sherloc (09022015). Collection method: clinical testing. Allele origin: germline.
Comment: This sequence change replaces serine, which is neutral and polar, with glycine, which is neutral and non-polar, at codon 1663 of the SMARCA4 protein (p.Ser1663Gly). This variant is not present in population databases (gnomAD no frequency). This variant has not been reported in the literature in individuals affected with SMARCA4-related conditions. Invitae Evidence Modeling of protein sequence and biophysical properties (such as structural, functional, and spatial information, amino acid conservation, physicochemical variation, residue mobility, and thermodynamic stability) has been performed for this missense variant. However, the output from this modeling did not meet the statistical confidence thresholds required to predict the impact of this variant on SMARCA4 protein function. Algorithms developed to predict the effect of sequence changes on RNA splicing suggest that this variant may create or strengthen a splice site. In summary, the available evidence is currently insufficient to determine the role of this variant in disease. Therefore, it has been classified as a Variant of Uncertain Significance.